The following is an entry in ClinVar:

NM_001291867.2(NHS):c.2698C>T (p.Arg900Ter)

Gene: NHS (NHS actin remodeling regulator; plus strand). Cytogenetic location: Xp22.13.
Variant type: single nucleotide variant.
Coding change: c.2698C>T on transcript NM_001291867.2 (MANE Select); coding-DNA position 2698, C replaced by T.
Protein change: p.Arg900Ter; replaces arginine 900 with a stop codon.
Molecular consequence: nonsense.
Genome position (GRCh38, 1-based): chrX:17,726,804, C>T. VCF-style: chrX-17726804-C-T. GRCh37 (hg19) VCF-style: chrX-17744924-C-T.
Other names: c.2167C>T, p.Arg723Ter (NM_001136024.4); c.2104C>T, p.Arg702Ter (NM_001291868.2); c.2359C>T, p.Arg787Ter (NM_001440780.1); c.2635C>T, p.Arg879Ter (NM_198270.4); short protein forms R702*, R723*, R787*, R879*, R900*.
Identifiers: ClinVar variation 4687062 (VCV004687062.2).

ClinVar aggregate classification (germline): Pathogenic. Review status: criteria provided, multiple submitters, no conflicts (2 of 4 stars). 3 submissions from 3 submitters: Pathogenic (3). Last evaluated 2026-01-09.

Conditions:
Nance-Horan syndrome (NHS). Identifiers: Orphanet 627, MedGen C0796085, MONDO:0010545, OMIM 302350.
NHS-related disorder. Also called: NHS-related condition.

gnomAD v4.1: 1 of 1,211,671 alleles (0.000083%); no homozygotes.

Submissions (3):

Variantyx, Inc.
Classification: Pathogenic for Nance-Horan syndrome. Last evaluated: 2026-01-09. Review status: criteria provided, single submitter. Criteria: Variantyx Assertion Criteria 2022. Collection method: clinical testing. Allele origin: maternal. Inheritance: X-linked dominant inheritance. Affected: yes.
Comment: This is a nonsense variant in the NHS gene (OMIM: 300457). Pathogenic variants in this gene have been associated with X-linked Nance-Horan syndrome. This variant introduces a premature termination codon in exon 7 out of 9 and is expected to result in loss of function, which is a known disease mechanism for NHS in this disorder (PMID: 14564667, 19414485, 18949062) (PVS1). This variant has been reported in at least 1 affected individual (PMID: 16736028) (PS4) and is absent from control populations (PM2). Based on the current evidence, this variant is classified as pathogenic for X-linked Nance-Horan syndrome.

GeneDx
Classification: Pathogenic. Last evaluated: 2025-07-24. Review status: criteria provided, single submitter. Criteria: GeneDx Variant Classification Process June 2021. Collection method: clinical testing. Allele origin: germline. Affected: yes.
Comment: Nonsense variant predicted to result in protein truncation or nonsense mediated decay in a gene for which loss of function is a known mechanism of disease; Not observed at significant frequency in large population cohorts (gnomAD); Published functional studies indicated that p.(R879*) may lead to mislocalization (PMID: 18949062); This variant is associated with the following publications: (PMID: 25525159, 28922055, 18949062, 16736028)

Blueprint Genetics
Classification: Pathogenic for NHS-related disorders. Last evaluated: 2024-02-08. Review status: criteria provided, single submitter. Criteria: ACMG Guidelines, 2015. Collection method: clinical testing. Allele origin: germline. Affected: yes. Observed: 3 variant alleles.

Literature cited by the submitters: PubMed 14564667 (cited by Variantyx, Inc.); PubMed 19414485 (cited by Variantyx, Inc.); PubMed 18949062 (cited by Variantyx, Inc.); PubMed 16736028 (cited by Variantyx, Inc.).